The following is an entry in ClinVar:

ClinVar aggregate classification (germline): Pathogenic (1 of 4 stars; one submission).

Conditions:
Chédiak-Higashi syndrome (CHS). Also called: Chediak-Higashi Syndrome. Identifiers: Orphanet 167, MedGen C0007965, MONDO:0008963, OMIM 214500.

Submission:

Labcorp Genetics (formerly Invitae), Labcorp
Classification: Pathogenic for Chédiak-Higashi syndrome. Last evaluated: 2024-02-01. Review status: criteria provided, single submitter. Criteria: Invitae Variant Classification Sherloc (09022015). Collection method: clinical testing. Allele origin: germline.
Comment: This sequence change creates a premature translational stop signal (p.Asp833Metfs*10) in the LYST gene. It is expected to result in an absent or disrupted protein product. Loss-of-function variants in LYST are known to be pathogenic (PMID: 9215679, 11857544). This variant is not present in population databases (gnomAD no frequency). This variant has not been reported in the literature in individuals affected with LYST-related conditions. For these reasons, this variant has been classified as Pathogenic.

Literature cited by the submitters: PubMed 9215679; PubMed 11857544.

NM_000081.4(LYST):c.2496del (p.Asp833fs)

Gene: LYST (lysosomal trafficking regulator; minus strand). Cytogenetic location: 1q42.3.
Variant type: Deletion.
Coding change: c.2496del on transcript NM_000081.4 (MANE Select); coding-DNA position 2496, one base deleted (A; older notation c.2496delA).
Protein change: p.Asp833fs; shifts the reading frame from aspartic acid 833.
Molecular consequence: frameshift variant.
Genome position (GRCh38, 1-based): chr1:235,806,640, T deleted on the plus strand (A on the coding strand, the reverse complement: LYST is on the minus strand); the first of 3 consecutive T bases (chr1:235,806,640-235,806,642); deleting any one gives the same sequence. VCF-style (leftmost placement, unchanged base first): chr1-235806639-CT-C. GRCh37 (hg19) VCF-style: chr1-235969939-CT-C.
Other names: c.2496del, p.Asp833fs (NM_001301365.1); short protein forms D833fs.
Identifiers: ClinVar variation 3638105 (VCV003638105.2).